The following is an entry in ClinVar:

ClinVar aggregate classification (germline): Uncertain significance (1 of 4 stars; one submission).

Conditions:
Hereditary sensory and autonomic neuropathy type 1 (HSAN1). Also called: HSAN 1; HSN Type I; Hereditary Sensory Neuropathy Type I. Identifiers: Orphanet 36386, MedGen C0020071, MONDO:0018213.

Submission:

Labcorp Genetics (formerly Invitae), Labcorp
Classification: Uncertain significance for Hereditary sensory and autonomic neuropathy type 1. Last evaluated: 2023-06-09. Review status: criteria provided, single submitter. Criteria: Invitae Variant Classification Sherloc (09022015). Collection method: clinical testing. Allele origin: germline.
Comment: This variant has not been reported in the literature in individuals affected with SPTLC1-related conditions. Advanced modeling of protein sequence and biophysical properties (such as structural, functional, and spatial information, amino acid conservation, physicochemical variation, residue mobility, and thermodynamic stability) has been performed at Invitae for this missense variant, however the output from this modeling did not meet the statistical confidence thresholds required to predict the impact of this variant on SPTLC1 protein function. In summary, the available evidence is currently insufficient to determine the role of this variant in disease. Therefore, it has been classified as a Variant of Uncertain Significance. This variant is not present in population databases (gnomAD no frequency). This sequence change replaces threonine, which is neutral and polar, with isoleucine, which is neutral and non-polar, at codon 170 of the SPTLC1 protein (p.Thr170Ile).

NM_006415.4(SPTLC1):c.509C>T (p.Thr170Ile)

Gene: SPTLC1 (serine palmitoyltransferase long chain base subunit 1; minus strand). Cytogenetic location: 9q22.31.
Variant type: single nucleotide variant.
Coding change: c.509C>T on transcript NM_006415.4 (MANE Select); coding-DNA position 509, C replaced by T.
Protein change: p.Thr170Ile; replaces threonine 170 with isoleucine.
Molecular consequence: missense variant.
Genome position (GRCh38, 1-based): chr9:92,068,017, G>A on the plus strand (C>T on the coding strand, the complement: SPTLC1 is on the minus strand). VCF-style: chr9-92068017-G-A. GRCh37 (hg19) VCF-style: chr9-94830299-G-A.
Other names: c.509C>T, p.Thr170Ile (NM_001281303.2); c.143C>T, p.Thr48Ile (NM_001368272.1); c.44C>T, p.Thr15Ile (NM_001368273.1); short protein forms T15I, T170I, T48I.
Identifiers: ClinVar variation 2845694 (VCV002845694.3), dbSNP rs2538446157, ClinGen allele CA373798596.